The following is an entry in ClinVar:

NM_001082486.2(ACD):c.737C>A (p.Thr246Lys)

Gene: ACD (ACD shelterin complex subunit and telomerase recruitment factor; minus strand). Cytogenetic location: 16q22.1.
Variant type: single nucleotide variant.
Coding change: c.737C>A on transcript NM_001082486.2 (MANE Select); coding-DNA position 737, C replaced by A.
Protein change: p.Thr246Lys; replaces threonine 246 with lysine.
Molecular consequence: missense variant.
Genome position (GRCh38, 1-based): chr16:67,658,725, G>T on the plus strand (C>A on the coding strand, the complement: ACD is on the minus strand). VCF-style: chr16-67658725-G-T. GRCh37 (hg19) VCF-style: chr16-67692628-G-T.
Other names: c.737C>A, p.Thr246Lys (LRG_1237t1); c.728C>A, p.Thr243Lys (NM_022914.3); short protein forms T246K, T243K.
Identifiers: ClinVar variation 542417 (VCV000542417.8), dbSNP rs1555542235, ClinGen allele CA396353428.
Genomic context (GRCh38, chr16:67,658,725, plus strand): 5'-CAGCACTGTGGACCTGGGCCCCAGGTATCCCCCCAACCTCTCCAGTCCCCCTTACCCTGT[G>T]TCCTCTGACAGGGGCCTAGAGAGCTCAGAATTAGCTGGTCATTCTCAGAGATGCACAGCA-3'
Protein context (NP_001075955.2, residues 236-256): ILSSLGPCQR[Thr246Lys]QGPELPPPDP

ClinVar aggregate classification (germline): Uncertain significance (1 of 4 stars; one submission).

Conditions:
Dyskeratosis congenita, autosomal dominant 6 (DKCA6). Identifiers: Orphanet 3322, MedGen C4225284, MONDO:0014690, OMIM 616553.

Submission:

Labcorp Genetics (formerly Invitae), Labcorp
Classification: Uncertain significance for Dyskeratosis congenita, autosomal dominant 6. Last evaluated: 2017-11-23. Review status: criteria provided, single submitter. Criteria: Invitae Variant Classification Sherloc (09022015). Collection method: clinical testing. Allele origin: germline.
Comment: This sequence change replaces threonine with lysine at codon 332 of the ACD protein (p.Thr332Lys). The threonine residue is weakly conserved and there is a moderate physicochemical difference between threonine and lysine. In summary, the available evidence is currently insufficient to determine the role of this variant in disease. Therefore, it has been classified as a Variant of Uncertain Significance. Algorithms developed to predict the effect of missense changes on protein structure and function (SIFT, PolyPhen-2, Align-GVGD) all suggest that this variant is likely to be tolerated, but these predictions have not been confirmed by published functional studies and their clinical significance is uncertain. This variant has not been reported in the literature in individuals with ACD-related disease. This variant is not present in population databases (ExAC no frequency).